The following is an entry in ClinVar:

NM_000312.4(PROC):c.924C>T (p.Pro308=)

Gene: PROC (protein C, inactivator of coagulation factors Va and VIIIa; plus strand). Cytogenetic location: 2q14.3.
Variant type: single nucleotide variant.
Coding change: c.924C>T on transcript NM_000312.4 (MANE Select); coding-DNA position 924, C replaced by T.
Protein change: p.Pro308=; no amino-acid change (proline 308 retained).
Molecular consequence: synonymous variant.
Genome position (GRCh38, 1-based): chr2:127,428,484, C>T. VCF-style: chr2-127428484-C-T. GRCh37 (hg19) VCF-style: chr2-128186060-C-T.
Other names: c.1107C>T, p.Pro369= (NM_001375602.1); c.1089C>T, p.Pro363= (NM_001375603.1); c.987C>T, p.Pro329= (NM_001375604.1); c.1026C>T, p.Pro342= (NM_001375605.1); c.1092C>T, p.Pro364= (NM_001375606.1); c.1110C>T, p.Pro370= (NM_001375607.1); c.867C>T, p.Pro289= (NM_001375608.1); c.900C>T, p.Pro300= (NM_001375609.1); and 2 more.
Identifiers: ClinVar variation 695573 (VCV000695573.15), dbSNP rs13388546, ClinGen allele CA1859487.

ClinVar aggregate classification (germline): Benign/Likely benign. Review status: criteria provided, multiple submitters, no conflicts (2 of 4 stars). 3 submissions from 3 submitters: Benign (1); Likely benign (2). Last evaluated 2025-12-16.

Conditions:
Thrombophilia due to protein C deficiency, autosomal dominant. Also called: PROC DEFICIENCY, AUTOSOMAL DOMINANT; PROTEIN C DEFICIENCY, AUTOSOMAL DOMINANT. Identifiers: Orphanet 745, MedGen C2674321, MONDO:0008316, OMIM 176860. Disease mechanism: loss of function.

Allele frequency attached by ClinVar (database versions not stated): ExAC 0.00124; 1000 Genomes Project 30x 0.00281; 1000 Genomes Project 0.00300; ESP Exome Variant Server 0.00384; gnomAD 0.00390 and 0.00422; TOPMed 0.00424.

Submissions (3):

Labcorp Genetics (formerly Invitae), Labcorp
Classification: Benign for Thrombophilia due to protein C deficiency, autosomal dominant. Last evaluated: 2025-12-16. Review status: criteria provided, single submitter. Criteria: Invitae Variant Classification Sherloc (09022015). Collection method: clinical testing. Allele origin: germline.

Blueprint Genetics
Classification: Likely benign. Last evaluated: 2024-09-23. Review status: criteria provided, single submitter. Criteria: ACMG Guidelines, 2015. Collection method: clinical testing. Allele origin: germline.

Illumina Laboratory Services, Illumina
Classification: Likely benign for Thrombophilia due to protein C deficiency, autosomal dominant. Last evaluated: 2018-01-12. Review status: criteria provided, single submitter. Criteria: ICSL Variant Classification Criteria 13 December 2019. Collection method: clinical testing. Allele origin: germline.
Comment: This variant was observed in the ICSL laboratory as part of a predisposition screen in an ostensibly healthy population. It had not been previously curated by ICSL or reported in the Human Gene Mutation Database (HGMD: prior to June 1st, 2018), and was therefore a candidate for classification through an automated scoring system. Utilizing variant allele frequency, disease prevalence and penetrance estimates, and inheritance mode, an automated score was calculated to assess if this variant is too frequent to cause the disease. Based on the score and internal cut-off values, a variant classified as likely benign is not then subjected to further curation. The score for this variant resulted in a classification of likely benign for this disease.